The following is an entry in ClinVar:

NM_000320.3(QDPR):c.296-5C>T

Gene: QDPR (quinoid dihydropteridine reductase; minus strand). Cytogenetic location: 4p15.32.
Variant type: single nucleotide variant.
Coding change: c.296-5C>T on transcript NM_000320.3 (MANE Select); 5 bases into the intron before coding-DNA position 296, C replaced by T.
Molecular consequence: intron variant.
Genome position (GRCh38, 1-based): chr4:17,501,864, G>A on the plus strand (C>T on the coding strand, the complement: QDPR is on the minus strand). VCF-style: chr4-17501864-G-A. GRCh37 (hg19) VCF-style: chr4-17503487-G-A.
Other names: c.203-5C>T (NM_001306140.2).
Identifiers: ClinVar variation 388955 (VCV000388955.1), dbSNP rs1057523286, ClinGen allele CA16605082.

ClinVar aggregate classification (germline): Likely benign (1 of 4 stars; one submission).

Submission:

GeneDx
Classification: Likely benign. Last evaluated: 2016-09-01. Review status: criteria provided, single submitter. Criteria: GeneDx Variant Classification (06012015). Collection method: clinical testing. Allele origin: germline. Affected: yes.
Comment: This variant is considered likely benign or benign based on one or more of the following criteria: it is a conservative change, it occurs at a poorly conserved position in the protein, it is predicted to be benign by multiple in silico algorithms, and/or has population frequency not consistent with disease.